The following is an entry in ClinVar:

ClinVar aggregate classification (germline): Uncertain significance. Review status: criteria provided, multiple submitters, no conflicts (2 of 4 stars). 2 submissions from 2 submitters: Uncertain significance (2). Last evaluated 2024-08-12.

Conditions:
FG syndrome (FGS). Identifiers: MedGen C0220769, MONDO:0002010.

Submissions (2):

Labcorp Genetics (formerly Invitae), Labcorp
Classification: Uncertain significance for FG syndrome. Last evaluated: 2024-08-12. Review status: criteria provided, single submitter. Criteria: Invitae Variant Classification Sherloc (09022015). Collection method: clinical testing. Allele origin: germline.
Comment: This sequence change replaces glycine, which is neutral and non-polar, with valine, which is neutral and non-polar, at codon 1260 of the MED12 protein (p.Gly1260Val). This variant is not present in population databases (gnomAD no frequency). This variant has not been reported in the literature in individuals affected with MED12-related conditions. ClinVar contains an entry for this variant (Variation ID: 1055100). Advanced modeling of protein sequence and biophysical properties (such as structural, functional, and spatial information, amino acid conservation, physicochemical variation, residue mobility, and thermodynamic stability) performed at Invitae indicates that this missense variant is not expected to disrupt MED12 protein function with a negative predictive value of 95%. In summary, the available evidence is currently insufficient to determine the role of this variant in disease. Therefore, it has been classified as a Variant of Uncertain Significance.

GeneDx
Classification: Uncertain significance. Last evaluated: 2019-05-07. Review status: criteria provided, single submitter. Criteria: GeneDx Variant Classification Process June 2021. Collection method: clinical testing. Allele origin: germline. Affected: yes.
Comment: Has not been previously published as pathogenic or benign to our knowledge; Not observed in large population cohorts (Lek et al., 2016); In silico analysis, which includes protein predictors and evolutionary conservation, supports that this variant does not alter protein structure/function

NM_005120.3(MED12):c.3779G>T (p.Gly1260Val)

Gene: MED12 (mediator complex subunit 12; plus strand). Cytogenetic location: Xq13.1.
Variant type: single nucleotide variant.
Coding change: c.3779G>T on transcript NM_005120.3 (MANE Select); coding-DNA position 3779, G replaced by T.
Protein change: p.Gly1260Val; replaces glycine 1260 with valine.
Molecular consequence: missense variant.
Genome position (GRCh38, 1-based): chrX:71,129,767, G>T. VCF-style: chrX-71129767-G-T. GRCh37 (hg19) VCF-style: chrX-70349617-G-T.
Other names: short protein forms G1260V.
Identifiers: ClinVar variation 1055100 (VCV001055100.12), dbSNP rs2147807429, ClinGen allele CA413522421.